The following is an entry in ClinVar:

ClinVar aggregate classification (germline): Uncertain significance (1 of 4 stars; one submission).

Conditions:
Inborn genetic diseases. Identifiers: MedGen C0950123, MeSH D030342.

Allele frequency attached by ClinVar (database versions not stated): TOPMed below 0.00001.

Submission:

Ambry Genetics
Classification: Uncertain significance for Inborn genetic diseases. Last evaluated: 2026-03-11. Review status: criteria provided, single submitter. Criteria: Ambry Variant Classification Scheme 2023. Collection method: clinical testing. Allele origin: germline.
Comment: The c.127T>C (p.Y43H) alteration is located in coding exon 2 of the NDUFA1 gene. This alteration results from a T to C substitution at nucleotide position 127, causing the tyrosine (Y) at amino acid position 43 to be replaced by a histidine (H). This variant was not reported in population-based cohorts in the Genome Aggregation Database (gnomAD). This amino acid position is well conserved in available vertebrate species. The in silico prediction for this alteration is inconclusive. Based on insufficient or conflicting evidence, the clinical significance of this alteration remains unclear.

NM_004541.4(NDUFA1):c.127T>C (p.Tyr43His)

Gene: NDUFA1 (NADH:ubiquinone oxidoreductase subunit A1; plus strand). Cytogenetic location: Xq24.
Variant type: single nucleotide variant.
Coding change: c.127T>C on transcript NM_004541.4 (MANE Select); coding-DNA position 127, T replaced by C.
Protein change: p.Tyr43His; replaces tyrosine 43 with histidine.
Molecular consequence: missense variant.
Genome position (GRCh38, 1-based): chrX:119,873,328, T>C. VCF-style: chrX-119873328-T-C. GRCh37 (hg19) VCF-style: chrX-119007291-T-C.
Other names: short protein forms Y43H.
Identifiers: ClinVar variation 208727 (VCV000208727.5), dbSNP rs797044914, ClinGen allele CA204772.